The following is an entry in ClinVar:

NM_025179.4(PLXNA2):c.4572C>T (p.Thr1524=)

Gene: PLXNA2 (plexin A2; minus strand). Cytogenetic location: 1q32.2.
Variant type: single nucleotide variant.
Coding change: c.4572C>T on transcript NM_025179.4 (MANE Select); coding-DNA position 4572, C replaced by T.
Protein change: p.Thr1524=; no amino-acid change (threonine 1524 retained).
Molecular consequence: synonymous variant.
Genome position (GRCh38, 1-based): chr1:208,038,913, G>A on the plus strand (C>T on the coding strand, the complement: PLXNA2 is on the minus strand). VCF-style: chr1-208038913-G-A. GRCh37 (hg19) VCF-style: chr1-208212258-G-A.
Identifiers: ClinVar variation 1958827 (VCV001958827.5), dbSNP rs1170840689, ClinGen allele CA422983243.

ClinVar aggregate classification (germline): Uncertain significance (1 of 4 stars; one submission).

Allele frequency attached by ClinVar (database versions not stated): TOPMed 0.00001.

Submission:

Labcorp Genetics (formerly Invitae), Labcorp
Classification: Uncertain significance. Last evaluated: 2022-11-08. Review status: criteria provided, single submitter. Criteria: Invitae Variant Classification Sherloc (09022015). Collection method: clinical testing. Allele origin: germline.
Comment: This sequence change affects codon 1524 of the PLXNA2 mRNA. It is a 'silent' change, meaning that it does not change the encoded amino acid sequence of the PLXNA2 protein. This variant is not present in population databases (gnomAD no frequency). This variant has not been reported in the literature in individuals affected with PLXNA2-related conditions. Algorithms developed to predict the effect of sequence changes on RNA splicing suggest that this variant may create or strengthen a splice site. In summary, the available evidence is currently insufficient to determine the role of this variant in disease. Therefore, it has been classified as a Variant of Uncertain Significance.